The following is an entry in ClinVar:

ClinVar aggregate classification (germline): Uncertain significance. Review status: criteria provided, multiple submitters, no conflicts (2 of 4 stars). 2 submissions from 2 submitters: Uncertain significance (2). Last evaluated 2024-06-13.

Conditions:
Inborn genetic diseases. Identifiers: MedGen C0950123, MeSH D030342.

Allele frequency attached by ClinVar (database versions not stated): gnomAD exomes below 0.00001; gnomAD 0.00001; TOPMed 0.00003; ESP Exome Variant Server 0.00008.
gnomAD v4.1: 7 of 1,611,560 alleles (0.00043%); highest among the groups gnomAD compares: African/African-American, 0.0094%; no homozygotes.

Submissions (2):

Ambry Genetics
Classification: Uncertain significance for Inborn genetic diseases. Last evaluated: 2024-06-13. Review status: criteria provided, single submitter. Criteria: Ambry Variant Classification Scheme 2023. Collection method: clinical testing. Allele origin: germline.

Labcorp Genetics (formerly Invitae), Labcorp
Classification: Uncertain significance. Last evaluated: 2022-04-09. Review status: criteria provided, single submitter. Criteria: Invitae Variant Classification Sherloc (09022015). Collection method: clinical testing. Allele origin: germline.
Comment: This sequence change replaces aspartic acid, which is acidic and polar, with tyrosine, which is neutral and polar, at codon 1792 of the VPS13A protein (p.Asp1792Tyr). This variant is present in population databases (rs147046729, gnomAD 0.02%). This variant has not been reported in the literature in individuals affected with VPS13A-related conditions. Algorithms developed to predict the effect of missense changes on protein structure and function are either unavailable or do not agree on the potential impact of this missense change (SIFT: "Deleterious"; PolyPhen-2: "Possibly Damaging"; Align-GVGD: "Class C0"). In summary, the available evidence is currently insufficient to determine the role of this variant in disease. Therefore, it has been classified as a Variant of Uncertain Significance.

NM_033305.3(VPS13A):c.5374G>T (p.Asp1792Tyr)

Gene: VPS13A (vacuolar protein sorting 13 homolog A; plus strand). Cytogenetic location: 9q21.2.
Variant type: single nucleotide variant.
Coding change: c.5374G>T on transcript NM_033305.3 (MANE Select); coding-DNA position 5374, G replaced by T.
Protein change: p.Asp1792Tyr; replaces aspartic acid 1792 with tyrosine.
Molecular consequence: missense variant.
Genome position (GRCh38, 1-based): chr9:77,319,632, G>T. VCF-style: chr9-77319632-G-T. GRCh37 (hg19) VCF-style: chr9-79934548-G-T.
Other names: c.5257G>T, p.Asp1753Tyr (NM_001018037.2); c.5374G>T, p.Asp1792Tyr (NM_001018038.3, NM_015186.4); c.5374G>T (NM_033305.2); short protein forms D1753Y, D1792Y.
Identifiers: ClinVar variation 2184423 (VCV002184423.2), dbSNP rs147046729, ClinGen allele CA5092758.